The following is an entry in ClinVar:

ClinVar aggregate classification (germline): Uncertain significance. Review status: criteria provided, multiple submitters, no conflicts (2 of 4 stars). 2 submissions from 2 submitters: Uncertain significance (2). Last evaluated 2024-12-17.

Conditions:
Hypertrophic cardiomyopathy 26. Also called: Cardiomyopathy, familial hypertrophic, 26. Identifiers: Orphanet 75249, MedGen C4310749, MONDO:0014883, OMIM 617047.
Myofibrillar myopathy 5. Also called: Filaminopathy (type); FILAMINOPATHY, AUTOSOMAL DOMINANT. Identifiers: Orphanet 171445, MedGen C1836050, MONDO:0012289, OMIM 609524.
Distal myopathy with posterior leg and anterior hand involvement. Also called: WILLIAMS DISTAL MYOPATHY. Identifiers: Orphanet 63273, MedGen C3279722, MONDO:0013550, OMIM 614065.

gnomAD v4.1: 3 of 1,614,156 alleles (0.00019%); highest among the groups gnomAD compares: Non-Finnish European, 0.00025%; no homozygotes.

Submissions (2):

GeneDx
Classification: Uncertain significance. Last evaluated: 2024-12-17. Review status: criteria provided, single submitter. Criteria: GeneDx Variant Classification Process June 2021. Collection method: clinical testing. Allele origin: germline. Affected: yes.
Comment: Not observed at significant frequency in large population cohorts (gnomAD); In silico analysis supports that this missense variant has a deleterious effect on protein structure/function; This variant is associated with the following publications: (PMID: 32112656)

Labcorp Genetics (formerly Invitae), Labcorp
Classification: Uncertain significance for Distal myopathy with posterior leg and anterior hand involvement; Myofibrillar myopathy 5; Hypertrophic cardiomyopathy 26. Last evaluated: 2023-04-26. Review status: criteria provided, single submitter. Criteria: Invitae Variant Classification Sherloc (09022015). Collection method: clinical testing. Allele origin: germline.
Comment: In summary, the available evidence is currently insufficient to determine the role of this variant in disease. Therefore, it has been classified as a Variant of Uncertain Significance. Advanced modeling of protein sequence and biophysical properties (such as structural, functional, and spatial information, amino acid conservation, physicochemical variation, residue mobility, and thermodynamic stability) has been performed at Invitae for this missense variant, however the output from this modeling did not meet the statistical confidence thresholds required to predict the impact of this variant on FLNC protein function. This missense change has been observed in individual(s) with hypertrophic cardiomyopathy (PMID: 32112656). This variant is not present in population databases (gnomAD no frequency). This sequence change replaces histidine, which is basic and polar, with leucine, which is neutral and non-polar, at codon 248 of the FLNC protein (p.His248Leu).

Literature cited by the submitters: PubMed 32112656 (cited by Labcorp Genetics (formerly Invitae), Labcorp).

NM_001458.5(FLNC):c.743A>T (p.His248Leu)

Gene: FLNC (filamin C; plus strand). Cytogenetic location: 7q32.1.
Variant type: single nucleotide variant.
Coding change: c.743A>T on transcript NM_001458.5 (MANE Select); coding-DNA position 743, A replaced by T.
Protein change: p.His248Leu; replaces histidine 248 with leucine.
Molecular consequence: missense variant.
Genome position (GRCh38, 1-based): chr7:128,837,441, A>T. VCF-style: chr7-128837441-A-T. GRCh37 (hg19) VCF-style: chr7-128477495-A-T.
Other names: c.743A>T, p.His248Leu (NM_001127487.2); short protein forms H248L.
Identifiers: ClinVar variation 2933340 (VCV002933340.4), dbSNP rs1479043458, ClinGen allele CA369222108.